The following is an entry in ClinVar:

NM_004064.5(CDKN1B):c.77_78del (p.Pro26fs)

Gene: CDKN1B (cyclin dependent kinase inhibitor 1B; plus strand). Cytogenetic location: 12p13.1.
Variant type: Deletion.
Coding change: c.77_78del on transcript NM_004064.5 (MANE Select); coding-DNA positions 77 to 78, 2 bases deleted (CC; older notation c.77_78delCC).
Protein change: p.Pro26fs; shifts the reading frame from proline 26.
Molecular consequence: frameshift variant.
Genome position (GRCh38, 1-based): chr12:12,717,916-12,717,917, CC deleted; deleting any 2 consecutive bases within chr12:12,717,915-12,717,917 gives the same sequence; the c. name uses the placement nearest the transcript's 3' end. VCF-style (leftmost placement, unchanged base first): chr12-12717914-GCC-G. GRCh37 (hg19) VCF-style: chr12-12870848-GCC-G.
Other names: short protein forms P26fs.
Identifiers: ClinVar variation 4633444 (VCV004633444.1).

ClinVar aggregate classification (germline): Pathogenic (1 of 4 stars; one submission).

Conditions:
Hereditary cancer-predisposing syndrome. Also called: Neoplastic Syndromes, Hereditary; Tumor predisposition; Hereditary Cancer Syndrome; Hereditary neoplastic syndrome. Identifiers: Orphanet 140162, MedGen C0027672, MeSH D009386, MONDO:0015356.

Submission:

Ambry Genetics
Classification: Pathogenic for Hereditary cancer-predisposing syndrome. Last evaluated: 2025-10-10. Review status: criteria provided, single submitter. Criteria: Ambry Variant Classification Scheme 2023. Collection method: clinical testing. Allele origin: germline.
Comment: The c.77_78delCC pathogenic mutation, located in coding exon 1 of the CDKN1B gene, results from a deletion of two nucleotides at nucleotide positions 77 to 78, causing a translational frameshift with a predicted alternate stop codon (p.P26Lfs*98). This variant is considered to be rare based on population cohorts in the Genome Aggregation Database (gnomAD). This alteration is expected to result in loss of function by premature protein truncation or nonsense-mediated mRNA decay. As such, this alteration is interpreted as a disease-causing mutation.